The following is an entry in ClinVar:

ClinVar aggregate classification (germline): Uncertain significance. Review status: criteria provided, multiple submitters, no conflicts (2 of 4 stars). 2 submissions from 2 submitters: Uncertain significance (2). Last evaluated 2022-10-19.

Conditions:
Charcot-Marie-Tooth disease type 4. Also called: Charcot-Marie-Tooth disease, type IV; Charcot-Marie-Tooth, Type 4. Identifiers: Orphanet 64749, MedGen C4082197, MONDO:0018995.

Submissions (2):

Blueprint Genetics
Classification: Uncertain significance. Last evaluated: 2022-10-19. Review status: criteria provided, single submitter. Criteria: ACMG Guidelines, 2015. Collection method: clinical testing. Allele origin: germline.

Labcorp Genetics (formerly Invitae), Labcorp
Classification: Uncertain significance for Charcot-Marie-Tooth disease type 4. Last evaluated: 2022-07-12. Review status: criteria provided, single submitter. Criteria: Invitae Variant Classification Sherloc (09022015). Collection method: clinical testing. Allele origin: germline.
Comment: ClinVar contains an entry for this variant (Variation ID: 543319). This variant has not been reported in the literature in individuals affected with PRX-related conditions. This variant is not present in population databases (gnomAD no frequency). This sequence change replaces glutamic acid, which is acidic and polar, with glutamine, which is neutral and polar, at codon 316 of the PRX protein (p.Glu316Gln). Algorithms developed to predict the effect of missense changes on protein structure and function are either unavailable or do not agree on the potential impact of this missense change (SIFT: "Tolerated"; PolyPhen-2: "Possibly Damaging"; Align-GVGD: "Class C0"). In summary, the available evidence is currently insufficient to determine the role of this variant in disease. Therefore, it has been classified as a Variant of Uncertain Significance.

NM_181882.3(PRX):c.946G>C (p.Glu316Gln)

Gene: PRX (periaxin; minus strand). Cytogenetic location: 19q13.2.
Variant type: single nucleotide variant.
Coding change: c.946G>C on transcript NM_181882.3 (MANE Select); coding-DNA position 946, G replaced by C.
Protein change: p.Glu316Gln; replaces glutamic acid 316 with glutamine.
Molecular consequence: missense variant. On other transcripts: 3 prime UTR variant (1).
Genome position (GRCh38, 1-based): chr19:40,397,406, C>G on the plus strand (G>C on the coding strand, the complement: PRX is on the minus strand). VCF-style: chr19-40397406-C-G. GRCh37 (hg19) VCF-style: chr19-40903313-C-G.
Other names: c.*1151G>C (NM_020956.2); short protein forms E316Q.
Identifiers: ClinVar variation 543319 (VCV000543319.7), dbSNP rs1555801306, ClinGen allele CA405899378.